The following is an entry in ClinVar:

ClinVar aggregate classification (germline): Uncertain significance. Review status: criteria provided, multiple submitters, no conflicts (2 of 4 stars). 4 submissions from 4 submitters: Uncertain significance (4). Last evaluated 2025-10-07.

Conditions:
Inborn genetic diseases. Identifiers: MedGen C0950123, MeSH D030342.
Arthrogryposis, renal dysfunction, and cholestasis 2 (ARCS2). Identifiers: Orphanet 2697, MedGen C3150672, MONDO:0013255, OMIM 613404.

Allele frequency attached by ClinVar (database versions not stated): gnomAD 0.00001; gnomAD exomes 0.00002; TOPMed 0.00002; ExAC 0.00003; ESP Exome Variant Server 0.00008.
gnomAD v4.1: 24 of 1,614,038 alleles (0.0015%); highest among the groups gnomAD compares: African/African-American, 0.0027%; no homozygotes.

Submissions (4):

Ambry Genetics
Classification: Uncertain significance for Inborn genetic diseases. Last evaluated: 2025-10-07. Review status: criteria provided, single submitter. Criteria: Ambry Variant Classification Scheme 2023. Collection method: clinical testing. Allele origin: germline.

Fulgent Genetics
Classification: Uncertain significance for Arthrogryposis, renal dysfunction, and cholestasis 2. Last evaluated: 2024-05-02. Review status: criteria provided, single submitter. Criteria: ACMG Guidelines, 2015. Collection method: clinical testing. Allele origin: germline.

Baylor Genetics
Classification: Uncertain significance for Arthrogryposis, renal dysfunction, and cholestasis 2. Last evaluated: 2019-10-21. Review status: criteria provided, single submitter. Criteria: ACMG Guidelines, 2015. Collection method: clinical testing. Allele origin: unknown. Affected: yes.
Comment: This variant was determined to be of uncertain significance according to ACMG Guidelines, 2015 [PMID:25741868].

Eurofins Ntd Llc (ga)
Classification: Uncertain significance. Last evaluated: 2015-12-09. Review status: criteria provided, single submitter. Criteria: EGL Classification Definitions 2015. Collection method: clinical testing. Allele origin: germline. Observed: 1 variant allele, 1 heterozygote.

NM_001193315.2(VIPAS39):c.494G>A (p.Arg165Gln)

Gene: VIPAS39 (VPS33B interacting protein, apical-basolateral polarity regulator, spe-39 homolog; minus strand). Cytogenetic location: 14q24.3.
Variant type: single nucleotide variant.
Coding change: c.494G>A on transcript NM_001193315.2 (MANE Select); coding-DNA position 494, G replaced by A.
Protein change: p.Arg165Gln; replaces arginine 165 with glutamine.
Molecular consequence: missense variant.
Genome position (GRCh38, 1-based): chr14:77,448,504, C>T on the plus strand (G>A on the coding strand, the complement: VIPAS39 is on the minus strand). VCF-style: chr14-77448504-C-T. GRCh37 (hg19) VCF-style: chr14-77914847-C-T.
Other names: c.494G>A, p.Arg165Gln (NM_001193314.2, NM_001193317.2, NM_022067.4); c.347G>A, p.Arg116Gln (NM_001193316.2); c.494G>A (NM_001193314.1); short protein forms R165Q, R116Q.
Identifiers: ClinVar variation 285001 (VCV000285001.8), dbSNP rs376797384, ClinGen allele CA7288077.
Genomic context (GRCh38, chr14:77,448,504, plus strand): 5'-ACAAGCTGCCCAGCTTCCCAAAGAACCTCACAAAAATTCTCTGTCCTTACCTTGCCCTTC[C>T]GGAGACGTCGCACTGTATCACTGGGGCTCCAGTCATTGCTGTAATCCTGGAATATTAGCA-3'
Protein context (NP_001180244.1, residues 155-175): WSPSDTVRRL[Arg165Gln]KGKVCSLERF